The following is an entry in ClinVar:

ClinVar aggregate classification (germline): Uncertain significance. Review status: criteria provided, multiple submitters, no conflicts (2 of 4 stars). 2 submissions from 2 submitters: Uncertain significance (2). Last evaluated 2025-08-24.

Conditions:
Spastic paraplegia. Identifiers: MedGen C0037772, HP:0001258.
Inborn genetic diseases. Identifiers: MedGen C0950123, MeSH D030342.

Allele frequency attached by ClinVar (database versions not stated): gnomAD exomes 0.00015 and 0.00022; ExAC 0.00019; ESP Exome Variant Server 0.00023; gnomAD 0.00032 and 0.00034; TOPMed 0.00033; 1000 Genomes Project 0.00060; 1000 Genomes Project 30x 0.00062.
gnomAD v4.1: 365 of 1,613,434 alleles (0.023%); highest among the groups gnomAD compares: African/African-American, 0.032%; 2 homozygotes.

Submissions (2):

Labcorp Genetics (formerly Invitae), Labcorp
Classification: Uncertain significance for Spastic paraplegia. Last evaluated: 2025-08-24. Review status: criteria provided, single submitter. Criteria: Invitae Variant Classification Sherloc (09022015). Collection method: clinical testing. Allele origin: germline.
Comment: This sequence change replaces threonine, which is neutral and polar, with methionine, which is neutral and non-polar, at codon 529 of the AP4E1 protein (p.Thr529Met). This variant is present in population databases (rs200110517, gnomAD 0.05%). This variant has not been reported in the literature in individuals affected with AP4E1-related conditions. ClinVar contains an entry for this variant (Variation ID: 639770). An algorithm developed to predict the effect of missense changes on protein structure and function outputs the following: PolyPhen-2: "Benign". The methionine amino acid residue is found in multiple mammalian species, which suggests that this missense change does not adversely affect protein function. In summary, the available evidence is currently insufficient to determine the role of this variant in disease. Therefore, it has been classified as a Variant of Uncertain Significance.

Ambry Genetics
Classification: Uncertain significance for Inborn genetic diseases. Last evaluated: 2024-12-25. Review status: criteria provided, single submitter. Criteria: Ambry Variant Classification Scheme 2023. Collection method: clinical testing. Allele origin: germline.

NM_007347.5(AP4E1):c.1586C>T (p.Thr529Met)

Gene: AP4E1 (adaptor related protein complex 4 subunit epsilon 1; plus strand). Cytogenetic location: 15q21.2.
Variant type: single nucleotide variant.
Coding change: c.1586C>T on transcript NM_007347.5 (MANE Select); coding-DNA position 1586, C replaced by T.
Protein change: p.Thr529Met; replaces threonine 529 with methionine.
Molecular consequence: missense variant.
Genome position (GRCh38, 1-based): chr15:50,958,529, C>T. VCF-style: chr15-50958529-C-T. GRCh37 (hg19) VCF-style: chr15-51250726-C-T.
Other names: c.1586C>T (NM_007347.3); c.1361C>T, p.Thr454Met (NM_001252127.2); short protein forms T454M, T529M.
Identifiers: ClinVar variation 639770 (VCV000639770.6), dbSNP rs200110517, ClinGen allele CA7559121.